The following is an entry in ClinVar:

NM_001330078.2(NRXN1):c.3873G>C (p.Gln1291His)

Gene: NRXN1 (neurexin 1; minus strand). Cytogenetic location: 2p16.3.
Variant type: single nucleotide variant.
Coding change: c.3873G>C on transcript NM_001330078.2 (MANE Select); coding-DNA position 3873, G replaced by C.
Protein change: p.Gln1291His; replaces glutamine 1291 with histidine.
Molecular consequence: missense variant.
Genome position (GRCh38, 1-based): chr2:50,053,526, C>G on the plus strand (G>C on the coding strand, the complement: NRXN1 is on the minus strand). VCF-style: chr2-50053526-C-G. GRCh37 (hg19) VCF-style: chr2-50280664-C-G.
Other names: c.3993G>C, p.Gln1331His (NM_001135659.3); c.3849G>C, p.Gln1283His (NM_001330077.2, NM_001330082.2); c.3717G>C, p.Gln1239His (NM_001330083.2); c.3807G>C, p.Gln1269His (NM_001330084.2); c.3846G>C, p.Gln1282His (NM_001330085.2); c.3873G>C, p.Gln1291His (NM_001330086.2); c.3672G>C, p.Gln1224His (NM_001330087.2, NM_001330096.2); c.3702G>C, p.Gln1234His (NM_001330088.2); and 6 more; short protein forms Q1224H, Q1234H, Q1239H, Q1244H, Q1261H, Q1269H, Q1282H, Q1283H.
Identifiers: ClinVar variation 1320398 (VCV001320398.2), dbSNP rs2152626881, ClinGen allele CA346819867.

ClinVar aggregate classification (germline): Uncertain significance (1 of 4 stars; one submission).

Submission:

GeneDx
Classification: Uncertain significance. Last evaluated: 2021-04-27. Review status: criteria provided, single submitter. Criteria: GeneDx Variant Classification Process June 2021. Collection method: clinical testing. Allele origin: germline. Affected: yes.
Comment: Not observed in large population cohorts (Lek et al., 2016); In silico analysis supports that this missense variant does not alter protein structure/function; Has not been previously published as pathogenic or benign to our knowledge